The following is an entry in ClinVar:

ClinVar aggregate classification (germline): Uncertain significance (1 of 4 stars; one submission).

Submission:

Labcorp Genetics (formerly Invitae), Labcorp
Classification: Uncertain significance. Last evaluated: 2022-10-10. Review status: criteria provided, single submitter. Criteria: Invitae Variant Classification Sherloc (09022015). Collection method: clinical testing. Allele origin: germline.
Comment: In summary, the available evidence is currently insufficient to determine the role of this variant in disease. Therefore, it has been classified as a Variant of Uncertain Significance. Advanced modeling of protein sequence and biophysical properties (such as structural, functional, and spatial information, amino acid conservation, physicochemical variation, residue mobility, and thermodynamic stability) has been performed at Invitae for this missense variant, however the output from this modeling did not meet the statistical confidence thresholds required to predict the impact of this variant on RNF113A protein function. This variant has not been reported in the literature in individuals affected with RNF113A-related conditions. This variant is not present in population databases (gnomAD no frequency). This sequence change replaces arginine, which is basic and polar, with histidine, which is basic and polar, at codon 30 of the RNF113A protein (p.Arg30His).

NM_006978.3(RNF113A):c.89G>A (p.Arg30His)

Genes: RNF113A (ring finger protein 113A; minus strand), LOC130068621 (ATAC-STARR-seq lymphoblastoid active region 29902; plus strand). Cytogenetic location: Xq24.
Variant type: single nucleotide variant.
Coding change: c.89G>A on transcript NM_006978.3 (MANE Select); coding-DNA position 89, G replaced by A.
Protein change: p.Arg30His; replaces arginine 30 with histidine.
Molecular consequence: missense variant.
Genome position (GRCh38, 1-based): chrX:119,871,525, C>T on the plus strand (G>A on the coding strand, the complement: RNF113A is on the minus strand). VCF-style: chrX-119871525-C-T. GRCh37 (hg19) VCF-style: chrX-119005488-C-T.
Other names: short protein forms R30H.
Identifiers: ClinVar variation 1944346 (VCV001944346.5), dbSNP rs769849012, ClinGen allele CA414189446.